The following is an entry in ClinVar:

NM_022114.4(PRDM16):c.740G>A (p.Arg247His)

Gene: PRDM16 (PR/SET domain 16; plus strand). Cytogenetic location: 1p36.32.
Variant type: single nucleotide variant.
Coding change: c.740G>A on transcript NM_022114.4 (MANE Select); coding-DNA position 740, G replaced by A.
Protein change: p.Arg247His; replaces arginine 247 with histidine.
Molecular consequence: missense variant.
Genome position (GRCh38, 1-based): chr1:3,402,854, G>A. VCF-style: chr1-3402854-G-A. GRCh37 (hg19) VCF-style: chr1-3319418-G-A.
Other names: c.740G>A (NM_022114.3); c.740G>A, p.Arg247His (NM_199454.3); short protein forms R247H.
Identifiers: ClinVar variation 3704706 (VCV003704706.3).

ClinVar aggregate classification (germline): Uncertain significance. Review status: criteria provided, multiple submitters, no conflicts (2 of 4 stars). 2 submissions from 2 submitters: Uncertain significance (2). Last evaluated 2025-08-26.

Conditions:
Inborn genetic diseases. Identifiers: MedGen C0950123, MeSH D030342.
Left ventricular noncompaction 8 (LVNC8). Identifiers: Orphanet 154, Orphanet 54260, MedGen C3809288, MONDO:0014152, OMIM 615373.

gnomAD v4.1: 19 of 1,613,052 alleles (0.0012%); highest among the groups gnomAD compares: East Asian, 0.0022%; no homozygotes.

Submissions (2):

Ambry Genetics
Classification: Uncertain significance for Inborn genetic diseases. Last evaluated: 2025-08-26. Review status: criteria provided, single submitter. Criteria: Ambry Variant Classification Scheme 2023. Collection method: clinical testing. Allele origin: germline.

Labcorp Genetics (formerly Invitae), Labcorp
Classification: Uncertain significance for Left ventricular noncompaction 8. Last evaluated: 2024-09-09. Review status: criteria provided, single submitter. Criteria: Invitae Variant Classification Sherloc (09022015). Collection method: clinical testing. Allele origin: germline.
Comment: This sequence change replaces arginine, which is basic and polar, with histidine, which is basic and polar, at codon 247 of the PRDM16 protein (p.Arg247His). This variant is present in population databases (rs543104292, gnomAD 0.003%). This variant has not been reported in the literature in individuals affected with PRDM16-related conditions. An algorithm developed to predict the effect of missense changes on protein structure and function (PolyPhen-2) suggests that this variant is likely to be disruptive. In summary, the available evidence is currently insufficient to determine the role of this variant in disease. Therefore, it has been classified as a Variant of Uncertain Significance.